The following is an entry in ClinVar:

ClinVar aggregate classification (germline): Benign/Likely benign. Review status: criteria provided, multiple submitters, no conflicts (2 of 4 stars). 9 submissions from 9 submitters: Benign (6); Likely benign (1). 2 of the submissions do not count toward it. Last evaluated 2025-02-16.

Conditions:
Central hypoventilation syndrome, congenital, 1, with or without Hirschsprung disease (CCHS1). Also called: AUTONOMIC CONTROL, CONGENITAL FAILURE OF; ONDINE CURSE, CONGENITAL; CENTRAL HYPOVENTILATION SYNDROME, CONGENITAL, 1; Central hypoventilation syndrome, congenital, 1, with or without Hirschsprung; Congenital Central Hypoventilation Syndrome (CCHS). Identifiers: Orphanet 661, MedGen C5562075, MONDO:0800026, OMIM 209880.

Submissions (9):

Laboratory of Genetics, Children's Clinical University Hospital Latvia
Classification: Likely benign. Last evaluated: 2025-02-16. Review status: criteria provided, single submitter. Criteria: ACMG Guidelines, 2015. Collection method: clinical testing. Allele origin: germline. Affected: yes.

Genomic Medicine Center of Excellence, King Faisal Specialist Hospital and Research Centre
Classification: Benign. Last evaluated: 2023-12-12. Review status: criteria provided, single submitter. Criteria: ACMG Guidelines, 2015. Collection method: research. Allele origin: germline.

Molecular Genetics, Royal Melbourne Hospital
Classification: Benign for Central hypoventilation syndrome, congenital, 1, with or without Hirschsprung disease. Last evaluated: 2023-05-04. Review status: criteria provided, single submitter. Criteria: ACMG Guidelines, 2015. Collection method: clinical testing. Allele origin: germline. Affected: yes.
Comment: African/African American population allele frequency is 31.43% (rs3832799, 2696/8308 alleles, 431 homozygotes in gnomAD v2.1). Based on the classification scheme RMH Modified ACMG/AMP Guidelines v1.2.1, this variant is classified as BENIGN. Following criteria are met: BA1

GeneDx
Classification: Benign. Last evaluated: 2021-06-09. Review status: criteria provided, single submitter. Criteria: GeneDx Variant Classification Process June 2021. Collection method: clinical testing. Allele origin: germline. Affected: yes.

Eurofins Ntd Llc (ga)
Classification: Benign. Last evaluated: 2016-05-31. Review status: criteria provided, single submitter. Criteria: EGL Classification Definitions. Collection method: clinical testing. Allele origin: germline. Observed: 4 variant alleles, 4 heterozygotes.

Laboratory for Molecular Medicine, Mass General Brigham Personalized Medicine
Classification: Benign. Last evaluated: 2014-09-04. Review status: criteria provided, single submitter. Criteria: LMM Criteria. Collection method: clinical testing. Allele origin: germline. Observed: 22 variant alleles.
Comment: Gln51[13] in exon 1 of ASCL1: This variant is not expected to have clinical sig nificance because it has been identified at high frequencies in published contro l chromosomes, including 1.3% (24/1804) of Japanese chromosomes (Sasaki 2003, Id e 2005) and 13% (42/322) of Caucasian chromosomes (Deng 2010). Moreover, Gln51[1 3] has been identified by our laboratory in 32% (96/304) of Caucasian control ch romosomes (LMM unpublished data).

PreventionGenetics, part of Exact Sciences
Classification: Benign. Review status: criteria provided, single submitter. Criteria: ACMG Guidelines, 2015. Collection method: clinical testing. Allele origin: germline.

Clinical Genetics DNA and cytogenetics Diagnostics Lab, Erasmus MC, Erasmus Medical Center
Classification: Benign. Review status: no assertion criteria provided. Collection method: clinical testing. Allele origin: germline. Affected: yes. Study: VKGL Data-share Consensus. Not counted in ClinVar's aggregate classification.

Diagnostic Laboratory, Department of Genetics, University Medical Center Groningen
Classification: Benign. Review status: no assertion criteria provided. Collection method: clinical testing. Allele origin: germline. Affected: yes. Study: VKGL Data-share Consensus. Not counted in ClinVar's aggregate classification.

Literature cited by the submitters: PubMed 16021468 (cited by Eurofins Ntd Llc (ga) and Laboratory for Molecular Medicine, Mass General Brigham Personalized Medicine); PubMed 14566559 (cited by Laboratory for Molecular Medicine, Mass General Brigham Personalized Medicine); PubMed 20097173 (cited by Laboratory for Molecular Medicine, Mass General Brigham Personalized Medicine).

NM_004316.4(ASCL1):c.151CAG[13] (p.Gln62_Ala63insGln)

Genes: ASCL1 (achaete-scute family bHLH transcription factor 1; plus strand), PAH (phenylalanine hydroxylase; minus strand). Cytogenetic location: 12q23.2.
Variant type: Microsatellite.
Coding change: c.151CAG[13] on transcript NM_004316.4 (MANE Select); 13 copies in a row of the 3-base unit CAG starting at c.151; the reference has 12 copies in a row; one copy, 3 bases duplicated.
Protein change: p.Gln62_Ala63insGln.
Molecular consequence: inframe insertion. On other transcripts: 5 prime UTR variant (1).
Genome position (GRCh38, 1-based): chr12:102,958,428-102,958,430, CAG duplicated; duplicating any 3 consecutive bases within chr12:102,958,394-102,958,430 gives the same sequence; the position shown is the placement nearest the transcript's 3' end. VCF-style (leftmost placement, unchanged base first): chr12-102958393-C-CGCA. GRCh37 (hg19) VCF-style: chr12-103352171-C-CGCA.
Other names: p.Gln62dup; c.-330TGC[13] (NM_001354304.2); c.184_186dupCAG (NM_004316.4).
Identifiers: ClinVar variation 179366 (VCV000179366.19), dbSNP rs3832799, ClinGen allele CA184274.